The following is an entry in ClinVar:

NM_000432.4(MYL2):c.449T>C (p.Leu150Ser)

Gene: MYL2 (myosin light chain 2; minus strand). Cytogenetic location: 12q24.11.
Variant type: single nucleotide variant.
Coding change: c.449T>C on transcript NM_000432.4 (MANE Select); coding-DNA position 449, T replaced by C.
Protein change: p.Leu150Ser; replaces leucine 150 with serine.
Molecular consequence: missense variant.
Genome position (GRCh38, 1-based): chr12:110,911,129, A>G on the plus strand (T>C on the coding strand, the complement: MYL2 is on the minus strand). VCF-style: chr12-110911129-A-G. GRCh37 (hg19) VCF-style: chr12-111348933-A-G.
Other names: short protein forms L150S.
Identifiers: ClinVar variation 925644 (VCV000925644.3), dbSNP rs2071648869, ClinGen allele CA386696836.

ClinVar aggregate classification (germline): Uncertain significance (1 of 4 stars; one submission).

Conditions:
Cardiomyopathy (CMYO). Also called: Cardiomyopathies. Identifiers: Orphanet 167848, MedGen C0878544, MONDO:0004994, HP:0001638. Inheritance: Various modes of inheritance.

Allele frequency attached by ClinVar (database versions not stated): gnomAD exomes below 0.00001.
gnomAD v4.1: 1 of 1,613,162 alleles (0.000062%); highest among the groups gnomAD compares: South Asian, 0.0011%; no homozygotes.

Submission:

Color Diagnostics, LLC DBA Color Health
Classification: Uncertain significance for Cardiomyopathy. Last evaluated: 2019-01-22. Review status: criteria provided, single submitter. Criteria: ACMG Guidelines, 2015. Collection method: clinical testing. Allele origin: germline.
Comment: Variant of Uncertain Significance due to insufficient evidence: This missense variant is located in the EF hand domain 3 of the MYL2 protein. Computational prediction tools and conservation analyses suggest that this variant may have deleterious impact on the protein function. Computational splicing tools suggest that this variant may not impact RNA splicing. To our knowledge, functional assays have not been performed for this variant nor has this variant been reported in individuals affected with cardiovascular disorders in the literature. This variant is rare in the general population and has been identified in 0/277264 chromosomes by the Genome Aggregation Database (gnomAD). Available evidence is insufficient to determine the role of this variant in disease conclusively.